The following is an entry in ClinVar:

ClinVar aggregate classification (germline): Conflicting classifications of pathogenicity. Review status: criteria provided, conflicting classifications (1 of 4 stars). 8 submissions from 8 submitters: Uncertain significance (1); Benign (1); Likely benign (5). 1 of the submissions does not count toward it. Last evaluated 2026-08-01.

Conditions:
Inborn genetic diseases. Identifiers: MedGen C0950123, MeSH D030342.
Developmental and epileptic encephalopathy 94 (DEE94). Also called: Epileptic encephalopathy, childhood-onset; CHD2-Related Neurodevelopmental Disorders. Identifiers: Orphanet 1942, Orphanet 2382, MedGen C3809278, MONDO:0014150, OMIM 615369.
Intellectual disability. Also called: Intellectual developmental disorder; intellectual disabilities; Intellectual functioning disability. Identifiers: MedGen C3714756, MeSH D008607, MONDO:0001071, HP:0001249.

Allele frequency attached by ClinVar (database versions not stated): gnomAD 0.00006 and 0.00007; TOPMed 0.00009; ExAC 0.00011; gnomAD exomes 0.00011 and 0.00015; ESP Exome Variant Server 0.00015.
gnomAD v4.1: 224 of 1,614,026 alleles (0.014%); highest among the groups gnomAD compares: Non-Finnish European, 0.016%; no homozygotes.

Submissions (8):

CeGaT Center for Human Genetics Tuebingen
Classification: Likely benign. Last evaluated: 2026-08-01. Review status: criteria provided, single submitter. Criteria: CeGaT Center For Human Genetics Tuebingen Variant Classification Criteria Version 2. Collection method: clinical testing. Allele origin: germline. Affected: yes. Observed: 2 variant alleles.
Comment: CHD2: BS2

Labcorp Genetics (formerly Invitae), Labcorp
Classification: Uncertain significance for Developmental and epileptic encephalopathy 94. Last evaluated: 2026-01-11. Review status: criteria provided, single submitter. Criteria: Invitae Variant Classification Sherloc (09022015). Collection method: clinical testing. Allele origin: germline.
Comment: This sequence change replaces histidine, which is basic and polar, with tyrosine, which is neutral and polar, at codon 1662 of the CHD2 protein (p.His1662Tyr). This variant is present in population databases (rs146275216, gnomAD 0.02%). This variant has not been reported in the literature in individuals affected with CHD2-related conditions. ClinVar contains an entry for this variant (Variation ID: 513867). Invitae Evidence Modeling of protein sequence and biophysical properties (such as structural, functional, and spatial information, amino acid conservation, physicochemical variation, residue mobility, and thermodynamic stability) indicates that this missense variant is not expected to disrupt CHD2 protein function with a negative predictive value of 95%. In summary, the available evidence is currently insufficient to determine the role of this variant in disease. Therefore, it has been classified as a Variant of Uncertain Significance.

Blueprint Genetics
Classification: Likely benign. Last evaluated: 2024-08-02. Review status: criteria provided, single submitter. Criteria: ACMG Guidelines, 2015. Collection method: clinical testing. Allele origin: germline.

Ambry Genetics
Classification: Likely benign for Inborn genetic diseases. Last evaluated: 2022-12-28. Review status: criteria provided, single submitter. Criteria: Ambry Variant Classification Scheme 2023. Collection method: clinical testing. Allele origin: germline.

GeneDx
Classification: Likely benign. Last evaluated: 2021-03-25. Review status: criteria provided, single submitter. Criteria: GeneDx Variant Classification Process June 2021. Collection method: clinical testing. Allele origin: germline. Affected: yes.

Revvity Omics, Revvity
Classification: Likely benign for Developmental and epileptic encephalopathy 94. Last evaluated: 2019-11-20. Review status: criteria provided, single submitter. Criteria: ACMG Guidelines, 2015. Collection method: clinical testing. Allele origin: germline.

Cambridge Genomics Laboratory, East Genomic Laboratory Hub, NHS Genomic Medicine Service
Classification: Benign for Intellectual disability. Last evaluated: 2019-11-08. Review status: criteria provided, single submitter. Criteria: ACGS Best Practice Guidelines for Variant Classification in Rare Disease 2020. Collection method: clinical testing. Allele origin: germline. Affected: yes. Observed: 1 variant allele.

Centre de Biologie Pathologie Génétique, Centre Hospitalier Universitaire de Lille
Classification: Likely benign for Intellectual disability. Last evaluated: 2019-01-01. Review status: no assertion criteria provided. Collection method: clinical testing. Allele origin: inherited. Affected: yes. Not counted in ClinVar's aggregate classification.

NM_001271.4(CHD2):c.4984C>T (p.His1662Tyr)

Gene: CHD2 (chromodomain helicase DNA binding protein 2; plus strand). Cytogenetic location: 15q26.1.
Variant type: single nucleotide variant.
Coding change: c.4984C>T on transcript NM_001271.4 (MANE Select); coding-DNA position 4984, C replaced by T.
Protein change: p.His1662Tyr; replaces histidine 1662 with tyrosine.
Molecular consequence: missense variant.
Genome position (GRCh38, 1-based): chr15:93,020,089, C>T. VCF-style: chr15-93020089-C-T. GRCh37 (hg19) VCF-style: chr15-93563319-C-T.
Other names: short protein forms H1662Y.
Identifiers: ClinVar variation 513867 (VCV000513867.18), dbSNP rs146275216, ClinGen allele CA7748614.